The following is an entry in ClinVar:

ClinVar aggregate classification (germline): Uncertain significance (1 of 4 stars; one submission).

Conditions:
Hereditary cancer-predisposing syndrome. Also called: Tumor predisposition; Hereditary Cancer Syndrome; Hereditary neoplastic syndrome; Neoplastic Syndromes, Hereditary. Identifiers: Orphanet 140162, MedGen C0027672, MeSH D009386, MONDO:0015356.

Submission:

Ambry Genetics
Classification: Uncertain significance for Hereditary cancer-predisposing syndrome. Last evaluated: 2024-03-24. Review status: criteria provided, single submitter. Criteria: Ambry Variant Classification Scheme 2023. Collection method: clinical testing. Allele origin: germline.
Comment: The p.E72D variant (also known as c.216A>C), located in coding exon 3 of the EPCAM gene, results from an A to C substitution at nucleotide position 216. The glutamic acid at codon 72 is replaced by aspartic acid, an amino acid with highly similar properties. This amino acid position is conserved. In addition, this alteration is predicted to be tolerated by in silico analysis. Based on the available evidence, the clinical significance of this alteration remains unclear.

NM_002354.3(EPCAM):c.216A>C (p.Glu72Asp)

Gene: EPCAM (epithelial cell adhesion molecule; plus strand). Cytogenetic location: 2p21.
Variant type: single nucleotide variant.
Coding change: c.216A>C on transcript NM_002354.3 (MANE Select); coding-DNA position 216, A replaced by C.
Protein change: p.Glu72Asp; replaces glutamic acid 72 with aspartic acid.
Molecular consequence: missense variant.
Genome position (GRCh38, 1-based): chr2:47,373,839, A>C. VCF-style: chr2-47373839-A-C. GRCh37 (hg19) VCF-style: chr2-47600978-A-C.
Other names: short protein forms E72D.
Identifiers: ClinVar variation 3275829 (VCV003275829.1).